The following is an entry in ClinVar:

ClinVar aggregate classification (germline): Uncertain significance (1 of 4 stars; one submission).

Conditions:
Hereditary cancer-predisposing syndrome. Also called: Neoplastic Syndromes, Hereditary; Tumor predisposition; Hereditary neoplastic syndrome; Hereditary Cancer Syndrome. Identifiers: Orphanet 140162, MedGen C0027672, MeSH D009386, MONDO:0015356.

gnomAD v4.1: 1 of 1,613,558 alleles (0.000062%); highest among the groups gnomAD compares: Non-Finnish European, 0.000085%; no homozygotes.

Submission:

Ambry Genetics
Classification: Uncertain significance for Hereditary cancer-predisposing syndrome. Last evaluated: 2024-02-28. Review status: criteria provided, single submitter. Criteria: Ambry Variant Classification Scheme 2023. Collection method: clinical testing. Allele origin: germline.
Comment: The p.P437S variant (also known as c.1309C>T), located in coding exon 8 of the BRIP1 gene, results from a C to T substitution at nucleotide position 1309. The proline at codon 437 is replaced by serine, an amino acid with similar properties. This amino acid position is conserved. In addition, the in silico prediction for this alteration is inconclusive. Based on the available evidence, the clinical significance of this alteration remains unclear.

NM_032043.3(BRIP1):c.1309C>T (p.Pro437Ser)

Gene: BRIP1 (BRCA1 interacting DNA helicase 1; minus strand). Cytogenetic location: 17q23.2.
Variant type: single nucleotide variant.
Coding change: c.1309C>T on transcript NM_032043.3 (MANE Select); coding-DNA position 1309, C replaced by T.
Protein change: p.Pro437Ser; replaces proline 437 with serine.
Molecular consequence: missense variant.
Genome position (GRCh38, 1-based): chr17:61,799,131, G>A on the plus strand (C>T on the coding strand, the complement: BRIP1 is on the minus strand). VCF-style: chr17-61799131-G-A. GRCh37 (hg19) VCF-style: chr17-59876492-G-A.
Other names: short protein forms P437S.
Identifiers: ClinVar variation 3228085 (VCV003228085.1), dbSNP rs878855137, ClinGen allele CA400483440.